The following is an entry in ClinVar:

NM_004104.5(FASN):c.2594-9C>G

Gene: FASN (fatty acid synthase; minus strand). Cytogenetic location: 17q25.3.
Variant type: single nucleotide variant.
Coding change: c.2594-9C>G on transcript NM_004104.5 (MANE Select); 9 bases into the intron before coding-DNA position 2594, C replaced by G.
Molecular consequence: intron variant.
Genome position (GRCh38, 1-based): chr17:82,088,316, G>C on the plus strand (C>G on the coding strand, the complement: FASN is on the minus strand). VCF-style: chr17-82088316-G-C. GRCh37 (hg19) VCF-style: chr17-80046192-G-C.
Identifiers: ClinVar variation 3031397 (VCV003031397.2), dbSNP rs967522558, ClinGen allele CA2740093955.

ClinVar aggregate classification (germline): Likely benign (0 of 4 stars; one submission).

Conditions:
FASN-related disorder. Also called: FASN-related condition.

Submission:

PreventionGenetics, part of Exact Sciences
Classification: Likely benign for FASN-related condition. Last evaluated: 2021-03-26. Review status: no assertion criteria provided. Collection method: clinical testing. Allele origin: germline.
Comment: This variant is classified as likely benign based on ACMG/AMP sequence variant interpretation guidelines (Richards et al. 2015 PMID: 25741868, with internal and published modifications).